The following is an entry in ClinVar:

NM_000179.3(MSH6):c.3709_3712dup (p.Thr1238fs)

Gene: MSH6 (mutS homolog 6; plus strand). Cytogenetic location: 2p16.3.
Variant type: Microsatellite.
Coding change: c.3709_3712dup on transcript NM_000179.3 (MANE Select); coding-DNA positions 3709 to 3712, 4 bases duplicated (GAGA; older notation c.3709_3712dupGAGA).
Protein change: p.Thr1238fs; shifts the reading frame from threonine 1238.
Molecular consequence: frameshift variant.
Genome position (GRCh38, 1-based): chr2:47,806,266-47,806,269, GAGA duplicated. VCF-style (leftmost placement, unchanged base first): chr2-47806265-T-TGAGA. GRCh37 (hg19) VCF-style: chr2-48033404-T-TGAGA.
Other names: c.3319_3322dup, p.Thr1108fs (NM_001281492.2); c.2803_2806dup, p.Thr936fs (NM_001281493.2, NM_001281494.2); short protein forms T1108fs, T1238fs, T936fs.
Identifiers: ClinVar variation 1069523 (VCV001069523.7), dbSNP rs2104540758, ClinGen allele CA2580611309.

ClinVar aggregate classification (germline): Pathogenic (1 of 4 stars; one submission).

Conditions:
Hereditary nonpolyposis colorectal neoplasms. Identifiers: MedGen C0009405, MeSH D003123.

Submission:

Labcorp Genetics (formerly Invitae), Labcorp
Classification: Pathogenic for Hereditary nonpolyposis colorectal neoplasms. Last evaluated: 2021-03-22. Review status: criteria provided, single submitter. Criteria: Invitae Variant Classification Sherloc (09022015). Collection method: clinical testing. Allele origin: germline.
Comment: This sequence change creates a premature translational stop signal (p.Thr1238Argfs*38) in the MSH6 gene. It is expected to result in an absent or disrupted protein product. Loss-of-function variants in MSH6 are known to be pathogenic (PMID: 18269114, 24362816). This variant is not present in population databases (ExAC no frequency). This variant has not been reported in the literature in individuals with MSH6-related conditions. For these reasons, this variant has been classified as Pathogenic.

Literature cited by the submitters: PubMed 18269114; PubMed 24362816.